The following is an entry in ClinVar:

NM_000540.3(RYR1):c.4837C>T (p.Gln1613Ter)

Gene: RYR1 (ryanodine receptor 1; plus strand). Cytogenetic location: 19q13.2.
Variant type: single nucleotide variant.
Coding change: c.4837C>T on transcript NM_000540.3 (MANE Select); coding-DNA position 4837, C replaced by T.
Protein change: p.Gln1613Ter; replaces glutamine 1613 with a stop codon.
Molecular consequence: nonsense.
Genome position (GRCh38, 1-based): chr19:38,483,419, C>T. VCF-style: chr19-38483419-C-T. GRCh37 (hg19) VCF-style: chr19-38974059-C-T.
Other names: c.4837C>T, p.Gln1613Ter (NM_001042723.2); short protein forms Q1613*.
Identifiers: ClinVar variation 617578 (VCV000617578.9), dbSNP rs1332371891, ClinGen allele CA405650606.

ClinVar aggregate classification (germline): Pathogenic/Likely pathogenic. Review status: criteria provided, multiple submitters, no conflicts (2 of 4 stars). 4 submissions from 4 submitters: Pathogenic (3); Likely pathogenic (1). Last evaluated 2024-06-13.

Conditions:
Centronuclear myopathy (CNM). Also called: Centronuclear myopathy, congenital; Myotubular myopathy. Identifiers: Orphanet 595, MedGen C0175709, MONDO:0018947. Inheritance: All.
Central core myopathy (CMYO1A). Also called: CONGENITAL MYOPATHY 1A, AUTOSOMAL DOMINANT, WITH SUSCEPTIBILITY TO MALIGNANT HYPERTHERMIA; Central core disease; Myopathy, central fibrillar. Identifiers: Orphanet 597, MedGen C5830701, MONDO:0007294, OMIM 117000.
Congenital multicore myopathy with external ophthalmoplegia (CMYO1B). Also called: MULTIMINICORE DISEASE WITH EXTERNAL OPHTHALMOPLEGIA; Congenital myopathy 1B, autosomal recessive; Minicore myopathy; Minicore myopathy with external ophthalmoplegia; MULTICORE MYOPATHY. Identifiers: Orphanet 598, Orphanet 98905, MedGen C1850674, MONDO:0009712, OMIM 255320, HP:0003789.
Malignant hyperthermia, susceptibility to, 1 (MHS1). Also called: Anesthesia related hyperthermia; Malignant hyperpyrexia; Fulminating hyperpyrexia; Pharmacogenic myopathy; RYR1-Related Malignant Hyperthermia Susceptibility; Malignant hyperthermia suceptibility 1. Identifiers: Orphanet 423, MedGen C2930980, MONDO:0007783, OMIM 145600.
King Denborough syndrome (KDS). Identifiers: MedGen C1840365, MONDO:0020485, OMIM 619542.
RYR1-related disorder. Also called: RYR1-related disorders; RYR1-related condition. Identifiers: MedGen CN239331.

Allele frequency attached by ClinVar (database versions not stated): gnomAD exomes below 0.00001.

Submissions (4):

Fulgent Genetics
Classification: Pathogenic for Central core myopathy; Malignant hyperthermia, susceptibility to, 1; Congenital multicore myopathy with external ophthalmoplegia; King Denborough syndrome. Last evaluated: 2024-06-13. Review status: criteria provided, single submitter. Criteria: ACMG Guidelines, 2015. Collection method: clinical testing. Allele origin: germline.

Muscle and Diseases Team, Institut de Génétique et Biologie Moléculaire et Cellulaire
Classification: Pathogenic for Centronuclear myopathy. Last evaluated: 2024-03-01. Review status: criteria provided, single submitter. Criteria: ACMG Guidelines, 2015. Collection method: research. Allele origin: unknown. Affected: yes. Observed: 1 variant allele.
Comment: PVS1+PM2+PP1

Labcorp Genetics (formerly Invitae), Labcorp
Classification: Pathogenic for RYR1-related disorder. Last evaluated: 2022-07-21. Review status: criteria provided, single submitter. Criteria: Invitae Variant Classification Sherloc (09022015). Collection method: clinical testing. Allele origin: germline.
Comment: For these reasons, this variant has been classified as Pathogenic. Algorithms developed to predict the effect of sequence changes on RNA splicing suggest that this variant may disrupt the consensus splice site. ClinVar contains an entry for this variant (Variation ID: 617578). This premature translational stop signal has been observed in individual(s) with autosomal recessive RYR1-related conditions (PMID: 28818389, 33333461). This variant is not present in population databases (gnomAD no frequency). This sequence change creates a premature translational stop signal (p.Gln1613*) in the RYR1 gene. It is expected to result in an absent or disrupted protein product. Loss-of-function variants in RYR1 are known to be pathogenic (PMID: 20583297, 20839240, 23919265, 28818389).

NeuroMeGen, Hospital Clinico Santiago de Compostela
Classification: Likely pathogenic for Central core myopathy. Last evaluated: 2018-10-08. Review status: criteria provided, single submitter. Criteria: ACMG Guidelines, 2015. Collection method: clinical testing. Allele origin: unknown. Affected: yes. Observed: 1 heterozygote.

Literature cited by the submitters: DOI 10.1186/s13073-024-01353-0 (cited by Muscle and Diseases Team, Institut de Génétique et Biologie Moléculaire et Cellulaire); PubMed 28818389 (cited by Muscle and Diseases Team, Institut de Génétique et Biologie Moléculaire et Cellulaire and Labcorp Genetics (formerly Invitae), Labcorp); PubMed 33333461 (cited by Labcorp Genetics (formerly Invitae), Labcorp); PubMed 20583297 (cited by Labcorp Genetics (formerly Invitae), Labcorp); PubMed 20839240 (cited by Labcorp Genetics (formerly Invitae), Labcorp); PubMed 23919265 (cited by Labcorp Genetics (formerly Invitae), Labcorp).